The following is an entry in ClinVar:

ClinVar aggregate classification (germline): Uncertain significance (1 of 4 stars; one submission).

Conditions:
Hereditary spastic paraplegia 2 (SPG2). Also called: SPASTIC PARAPLEGIA 2, X-LINKED; Spastic Paraplegia 2 (SPG2). Identifiers: Orphanet 99015, MedGen C0751604, MONDO:0010733, OMIM 312920.

Submission:

Labcorp Genetics (formerly Invitae), Labcorp
Classification: Uncertain significance for Hereditary spastic paraplegia 2. Last evaluated: 2019-04-22. Review status: criteria provided, single submitter. Criteria: Invitae Variant Classification Sherloc (09022015). Collection method: clinical testing. Allele origin: germline.
Comment: This variant is not present in population databases (ExAC no frequency). This sequence change replaces isoleucine with serine at codon 187 of the PLP1 protein (p.Ile187Ser). The isoleucine residue is highly conserved and there is a large physicochemical difference between isoleucine and serine. This variant has not been reported in the literature in individuals with PLP1-related conditions. Algorithms developed to predict the effect of missense changes on protein structure and function (SIFT, PolyPhen-2, Align-GVGD) all suggest that this variant is likely to be disruptive, but these predictions have not been confirmed by published functional studies and their clinical significance is uncertain. This variant disrupts the p.Ile187 (also known as p.Ile186) amino acid residue in PLP1. Other variant(s) that disrupt this residue have been observed in individuals with PLP1-related conditions (PMID: 7522741, 23344956, 24139698), suggesting that it is a clinically significant residue. As a result, variants that disrupt this residue are likely to be causative of disease. In summary, the available evidence is currently insufficient to determine the role of this variant in disease. Therefore, it has been classified as a Variant of Uncertain Significance.

Literature cited by the submitters: PubMed 7522741; PubMed 23344956; PubMed 24139698.

NM_000533.5(PLP1):c.560T>G (p.Ile187Ser)

Genes: RAB9B (RAB9B, member RAS oncogene family; minus strand), PLP1 (proteolipid protein 1; plus strand). Cytogenetic location: Xq22.2.
Variant type: single nucleotide variant.
Coding change: c.560T>G on transcript NM_000533.5 (MANE Select); coding-DNA position 560, T replaced by G.
Protein change: p.Ile187Ser; replaces isoleucine 187 with serine.
Molecular consequence: missense variant.
Genome position (GRCh38, 1-based): chrX:103,787,904, T>G. VCF-style: chrX-103787904-T-G. GRCh37 (hg19) VCF-style: chrX-103042833-T-G.
Other names: c.560T>G, p.Ile187Ser (NM_001128834.3); c.395T>G, p.Ile132Ser (NM_001305004.1); c.455T>G, p.Ile152Ser (NM_199478.3); short protein forms I152S, I132S, I187S.
Identifiers: ClinVar variation 862082 (VCV000862082.8), dbSNP rs132630288, ClinGen allele CA414103922.